The following is an entry in ClinVar:

ClinVar aggregate classification (germline): Likely pathogenic (1 of 4 stars; one submission).

Conditions:
Hereditary spastic paraplegia 49 (HSAN9). Also called: Spastic paraplegia 49, autosomal recessive; TECPR2-Related Hereditary Sensory and Autonomic Neuropathy with Intellectual Disability; NEUROPATHY, HEREDITARY SENSORY AND AUTONOMIC, TYPE IX, WITH DEVELOPMENTAL DELAY. Identifiers: Orphanet 320385, MedGen C5190860, MONDO:0014016, OMIM 615031.

Submission:

Labcorp Genetics (formerly Invitae), Labcorp
Classification: Likely pathogenic for Hereditary spastic paraplegia 49. Last evaluated: 2023-03-26. Review status: criteria provided, single submitter. Criteria: Invitae Variant Classification Sherloc (09022015). Collection method: clinical testing. Allele origin: germline.
Comment: In summary, the currently available evidence indicates that the variant is pathogenic, but additional data are needed to prove that conclusively. Therefore, this variant has been classified as Likely Pathogenic. Algorithms developed to predict the effect of sequence changes on RNA splicing suggest that this variant may disrupt the consensus splice site. This variant has not been reported in the literature in individuals affected with TECPR2-related conditions. This variant is not present in population databases (gnomAD no frequency). This sequence change affects a donor splice site in intron 10 of the TECPR2 gene. It is expected to disrupt RNA splicing. Variants that disrupt the donor or acceptor splice site typically lead to a loss of protein function (PMID: 16199547), and loss-of-function variants in TECPR2 are known to be pathogenic (PMID: 23176824, 25590979).

Literature cited by the submitters: PubMed 16199547; PubMed 23176824; PubMed 25590979.

NM_014844.5(TECPR2):c.2578+1G>A

Gene: TECPR2 (tectonin beta-propeller repeat containing 2; plus strand). Cytogenetic location: 14q32.31.
Variant type: single nucleotide variant.
Coding change: c.2578+1G>A on transcript NM_014844.5 (MANE Select); the canonical splice donor site of the intron after coding-DNA position 2578, G replaced by A.
Molecular consequence: splice donor variant.
Genome position (GRCh38, 1-based): chr14:102,438,206, G>A. VCF-style: chr14-102438206-G-A. GRCh37 (hg19) VCF-style: chr14-102904543-G-A.
Other names: c.2578+1G>A (NM_001172631.3).
Identifiers: ClinVar variation 2957865 (VCV002957865.3), dbSNP rs2504433132, ClinGen allele CA391066138.